The following is an entry in ClinVar:

NM_000520.6(HEXA):c.1421G>T (p.Trp474Leu)

Gene: HEXA (hexosaminidase subunit alpha; minus strand). Cytogenetic location: 15q23.
Variant type: single nucleotide variant.
Coding change: c.1421G>T on transcript NM_000520.6 (MANE Select); coding-DNA position 1421, G replaced by T.
Protein change: p.Trp474Leu; replaces tryptophan 474 with leucine.
Molecular consequence: missense variant. On other transcripts: non-coding transcript variant (1).
Genome position (GRCh38, 1-based): chr15:72,346,235, C>A on the plus strand (G>T on the coding strand, the complement: HEXA is on the minus strand). VCF-style: chr15-72346235-C-A. GRCh37 (hg19) VCF-style: chr15-72638576-C-A.
Other names: c.1454G>T, p.Trp485Leu (NM_001318825.2); short protein forms W485L, W474L.
Identifiers: ClinVar variation 1511039 (VCV001511039.3), dbSNP rs762374961, ClinGen allele CA272609704.

ClinVar aggregate classification (germline): Uncertain significance (1 of 4 stars; one submission).

Conditions:
Tay-Sachs disease (TSD). Also called: HEXA DEFICIENCY; HEXA Disorders; GM2 gangliosidosis, type 1; Hexosaminidase alpha-subunit deficiency (variant B); Sphingolipidosis, Tay-Sachs; Hexosaminidase A Deficiency. Identifiers: Orphanet 845, MedGen C0039373, MONDO:0010100, OMIM 272800.

Allele frequency attached by ClinVar (database versions not stated): gnomAD 0.00002; TOPMed 0.00002.

Submission:

Labcorp Genetics (formerly Invitae), Labcorp
Classification: Uncertain significance for Tay-Sachs disease. Last evaluated: 2022-03-25. Review status: criteria provided, single submitter. Criteria: Invitae Variant Classification Sherloc (09022015). Collection method: clinical testing. Allele origin: germline.
Comment: This sequence change affects codon 474 of the HEXA mRNA. It is a 'silent' change, meaning that it does not change the encoded amino acid sequence of the HEXA protein. This variant also falls at the last nucleotide of exon 12, which is part of the consensus splice site for this exon. This variant is present in population databases (rs762374961, gnomAD 0.007%). This variant has not been reported in the literature in individuals affected with HEXA-related conditions. Algorithms developed to predict the effect of missense changes on protein structure and function are either unavailable or do not agree on the potential impact of this missense change (SIFT: "Deleterious"; PolyPhen-2: "Possibly Damaging"; Align-GVGD: "Class C0"). Variants that disrupt the consensus splice site are a relatively common cause of aberrant splicing (PMID: 17576681, 9536098). Algorithms developed to predict the effect of sequence changes on RNA splicing suggest that this variant may disrupt the consensus splice site. In summary, the available evidence is currently insufficient to determine the role of this variant in disease. Therefore, it has been classified as a Variant of Uncertain Significance.

Literature cited by the submitters: PubMed 17576681; PubMed 9536098.